The following is an entry in ClinVar:

ClinVar aggregate classification (germline): Uncertain significance. Review status: criteria provided, multiple submitters, no conflicts (2 of 4 stars). 2 submissions from 2 submitters: Uncertain significance (2). Last evaluated 2025-04-09.

Allele frequency attached by ClinVar (database versions not stated): TOPMed below 0.00001.
gnomAD v4.1: 7 of 1,614,204 alleles (0.00043%); highest among the groups gnomAD compares: Admixed American, 0.01%; no homozygotes.

Submissions (2):

Ambry Genetics
Classification: Uncertain significance. Last evaluated: 2025-04-09. Review status: criteria provided, single submitter. Criteria: Ambry Variant Classification Scheme 2023. Collection method: clinical testing. Allele origin: germline.

Labcorp Genetics (formerly Invitae), Labcorp
Classification: Uncertain significance. Last evaluated: 2024-03-27. Review status: criteria provided, single submitter. Criteria: Invitae Variant Classification Sherloc (09022015). Collection method: clinical testing. Allele origin: germline.
Comment: This sequence change replaces threonine, which is neutral and polar, with serine, which is neutral and polar, at codon 197 of the IL12RB2 protein (p.Thr197Ser). This variant is present in population databases (rs755027807, gnomAD 0.02%). This variant has not been reported in the literature in individuals affected with IL12RB2-related conditions. An algorithm developed to predict the effect of missense changes on protein structure and function (PolyPhen-2) suggests that this variant is likely to be disruptive. In summary, the available evidence is currently insufficient to determine the role of this variant in disease. Therefore, it has been classified as a Variant of Uncertain Significance.

NM_001374259.2(IL12RB2):c.589A>T (p.Thr197Ser)

Gene: IL12RB2 (interleukin 12 receptor subunit beta 2; plus strand). Cytogenetic location: 1p31.3.
Variant type: single nucleotide variant.
Coding change: c.589A>T on transcript NM_001374259.2 (MANE Select); coding-DNA position 589, A replaced by T.
Protein change: p.Thr197Ser; replaces threonine 197 with serine.
Molecular consequence: missense variant. On other transcripts: non-coding transcript variant (2).
Genome position (GRCh38, 1-based): chr1:67,328,309, A>T. VCF-style: chr1-67328309-A-T. GRCh37 (hg19) VCF-style: chr1-67793992-A-T.
Other names: c.589A>T (NM_001559.2); c.589A>T, p.Thr197Ser (NM_001258214.1, NM_001258215.1, NM_001258216.1 and 2 more transcripts); short protein forms T197S.
Identifiers: ClinVar variation 2870551 (VCV002870551.4), dbSNP rs755027807, ClinGen allele CA900237.